The following is an entry in ClinVar:

NM_015202.5(KATNIP):c.3643A>G (p.Asn1215Asp)

Gene: KATNIP (katanin interacting protein; plus strand). Cytogenetic location: 16p12.1.
Variant type: single nucleotide variant.
Coding change: c.3643A>G on transcript NM_015202.5 (MANE Select); coding-DNA position 3643, A replaced by G.
Protein change: p.Asn1215Asp; replaces asparagine 1215 with aspartic acid.
Molecular consequence: missense variant.
Genome position (GRCh38, 1-based): chr16:27,761,424, A>G. VCF-style: chr16-27761424-A-G. GRCh37 (hg19) VCF-style: chr16-27772745-A-G.
Other names: c.3643A>G (NM_015202.3); short protein forms N1215D.
Identifiers: ClinVar variation 726647 (VCV000726647.35), dbSNP rs549052306, ClinGen allele CA7978342.
Genomic context (GRCh38, chr16:27,761,424, plus strand): 5'-CTCCTCTGGAGCCTCTGGTGCTAATGGGCCACTTCTCTTCCTGTTGCAGGCCTTCAGCTG[A>G]ATTTCACTGCCTCCTGGGGAGACTTGCACTACCTGGGGCTCACTGGCCTGGAAGTGGTGG-3'
Protein context (NP_056017.4, residues 1205-1225): GIYHGICLQL[Asn1215Asp]FTASWGDLHY

ClinVar aggregate classification (germline): Benign. Review status: criteria provided, multiple submitters, no conflicts (2 of 4 stars). 3 submissions from 3 submitters: Benign (2). 1 of the submissions does not count toward it. Last evaluated 2026-07-01.

Conditions:
KATNIP-related disorder. Also called: KATNIP-related condition.

Allele frequency attached by ClinVar (database versions not stated): gnomAD below 0.00001 and 0.00046; TOPMed 0.00003; gnomAD exomes 0.00082 and 0.00182; ExAC 0.00198; 1000 Genomes Project 0.00280; 1000 Genomes Project 30x 0.00281.
gnomAD v4.1: 1,258 of 1,608,132 alleles (0.078%); highest among the groups gnomAD compares: South Asian, 1.3%; 23 homozygotes.

Submissions (3):

CeGaT Center for Human Genetics Tuebingen
Classification: Benign. Last evaluated: 2026-07-01. Review status: criteria provided, single submitter. Criteria: CeGaT Center For Human Genetics Tuebingen Variant Classification Criteria Version 2. Collection method: clinical testing. Allele origin: germline. Affected: yes. Observed: 2 variant alleles.
Comment: KATNIP: BS1, BS2

Labcorp Genetics (formerly Invitae), Labcorp
Classification: Benign. Last evaluated: 2025-04-12. Review status: criteria provided, single submitter. Criteria: Invitae Variant Classification Sherloc (09022015). Collection method: clinical testing. Allele origin: germline.

PreventionGenetics, part of Exact Sciences
Classification: Benign for KATNIP-related condition. Last evaluated: 2024-09-23. Review status: no assertion criteria provided. Collection method: clinical testing. Allele origin: germline. Not counted in ClinVar's aggregate classification.
Comment: This variant is classified as benign based on ACMG/AMP sequence variant interpretation guidelines (Richards et al. 2015 PMID: 25741868, with internal and published modifications).